The following is an entry in ClinVar:

NM_206933.4(USH2A):c.6628C>G (p.Pro2210Ala)

Gene: USH2A (usherin; minus strand). Cytogenetic location: 1q41.
Variant type: single nucleotide variant.
Coding change: c.6628C>G on transcript NM_206933.4 (MANE Select); coding-DNA position 6628, C replaced by G.
Protein change: p.Pro2210Ala; replaces proline 2210 with alanine.
Molecular consequence: missense variant.
Genome position (GRCh38, 1-based): chr1:215,998,916, G>C on the plus strand (C>G on the coding strand, the complement: USH2A is on the minus strand). VCF-style: chr1-215998916-G-C. GRCh37 (hg19) VCF-style: chr1-216172258-G-C.
Other names: short protein forms P2210A.
Identifiers: ClinVar variation 166480 (VCV000166480.21), dbSNP rs192115090, ClinGen allele CA179544.

ClinVar aggregate classification (germline): Benign/Likely benign. Review status: criteria provided, multiple submitters, no conflicts (2 of 4 stars). 9 submissions from 8 submitters: Benign (3); Likely benign (5). 1 of the submissions does not count toward it. Last evaluated 2026-02-01.

Conditions:
Usher syndrome type 2A. Also called: USHER SYNDROME, TYPE IIA; RETINAL DISEASE IN USHER SYNDROME TYPE IIA, MODIFIER OF. Identifiers: Orphanet 231178, Orphanet 886, MedGen C1848634, MONDO:0010169, OMIM 276901.
Retinitis pigmentosa 39 (RP39). Identifiers: Orphanet 791, MedGen C3151138, MONDO:0013436, OMIM 613809.
Retinal dystrophy. Also called: Inherited retinal dystrophy. Identifiers: Orphanet 71862, MedGen C0854723, MeSH D058499, MONDO:0019118, HP:0000556.

Allele frequency attached by ClinVar (database versions not stated): ESP Exome Variant Server 0.00008; TOPMed 0.00046; gnomAD 0.00086; 1000 Genomes Project 30x 0.00125; 1000 Genomes Project 0.00160.
gnomAD v4.1: 586 of 1,613,144 alleles (0.036%); highest among the groups gnomAD compares: East Asian, 0.88%; 1 homozygote.

Submissions (9):

Labcorp Genetics (formerly Invitae), Labcorp
Classification: Benign. Last evaluated: 2026-02-01. Review status: criteria provided, single submitter. Criteria: Invitae Variant Classification Sherloc (09022015). Collection method: clinical testing. Allele origin: germline.

Blueprint Genetics
Classification: Likely benign. Last evaluated: 2024-11-14. Review status: criteria provided, single submitter. Criteria: ACMG Guidelines, 2015. Collection method: clinical testing. Allele origin: germline.

Genome-Nilou Lab
Classification: Likely benign for Retinitis pigmentosa 39. Last evaluated: 2023-11-04. Review status: criteria provided, single submitter. Criteria: ACMG Guidelines, 2015. Collection method: clinical testing. Allele origin: germline. Affected: no.

Genome-Nilou Lab
Classification: Likely benign for Usher syndrome type 2A. Last evaluated: 2023-11-04. Review status: criteria provided, single submitter. Criteria: ACMG Guidelines, 2015. Collection method: clinical testing. Allele origin: germline. Affected: no.

Dept Of Ophthalmology, Nagoya University
Classification: Likely benign for Retinal dystrophy. Last evaluated: 2023-10-01. Review status: criteria provided, single submitter. Criteria: Submitter's publication. Collection method: research. Allele origin: germline. Affected: yes.

Fulgent Genetics
Classification: Likely benign for Usher syndrome type 2A; Retinitis pigmentosa 39. Last evaluated: 2022-04-25. Review status: criteria provided, single submitter. Criteria: ACMG Guidelines, 2015. Collection method: clinical testing. Allele origin: unknown.

GeneDx
Classification: Benign. Last evaluated: 2020-03-25. Review status: criteria provided, single submitter. Criteria: GeneDx Variant Classification Process June 2021. Collection method: clinical testing. Allele origin: germline. Affected: yes.
Comment: This variant is associated with the following publications: (PMID: 24938718, 29625443, 31904091)

Laboratory for Molecular Medicine, Mass General Brigham Personalized Medicine
Classification: Benign. Last evaluated: 2015-10-20. Review status: criteria provided, single submitter. Criteria: LMM Criteria. Collection method: clinical testing. Allele origin: germline. Observed: 4 variant alleles.
Comment: p.Pro2210Ala in exon 34 of USH2A:This variant is not expected to have clinical significance because it has been identified in 1% (84/8568) of East Asian chromo somes by the Exome Aggregation Consortium (ExAC; dbSNP rs192115090).

Natera, Inc.
Classification: Likely benign for Usher syndrome type 2A. Last evaluated: 2020-05-03. Review status: no assertion criteria provided. Collection method: clinical testing. Allele origin: germline. Not counted in ClinVar's aggregate classification.

Literature cited by the submitters: PubMed 25078356 (cited by Laboratory for Molecular Medicine, Mass General Brigham Personalized Medicine); PubMed 25133751 (cited by Laboratory for Molecular Medicine, Mass General Brigham Personalized Medicine); PubMed 24938718 (cited by Laboratory for Molecular Medicine, Mass General Brigham Personalized Medicine).